The following is an entry in ClinVar:

ClinVar aggregate classification (germline): Uncertain significance (1 of 4 stars; one submission).

Conditions:
ABCB4-related disorder. Also called: ABCB4-related disorders; ABCB4-related condition.

Submission:

PreventionGenetics, part of Exact Sciences
Classification: Uncertain significance for ABCB4-related condition. Last evaluated: 2025-10-11. Review status: criteria provided, single submitter. Criteria: ACMG Guidelines, 2015. Collection method: clinical testing. Allele origin: germline.
Comment: The ABCB4 c.1010T>G variant is predicted to result in the amino acid substitution p.Phe337Cys. To our knowledge, this variant has not been reported in the literature or in a large population database (gnomAD), indicating this variant is rare. At this time, the clinical significance of this variant is uncertain due to the absence of conclusive functional and genetic evidence.

NM_000443.4(ABCB4):c.1010T>G (p.Phe337Cys)

Gene: ABCB4 (ATP binding cassette subfamily B member 4; minus strand). Cytogenetic location: 7q21.12.
Variant type: single nucleotide variant.
Coding change: c.1010T>G on transcript NM_000443.4 (MANE Select); coding-DNA position 1010, T replaced by G.
Protein change: p.Phe337Cys; replaces phenylalanine 337 with cysteine.
Molecular consequence: missense variant.
Genome position (GRCh38, 1-based): chr7:87,444,971, A>C on the plus strand (T>G on the coding strand, the complement: ABCB4 is on the minus strand). VCF-style: chr7-87444971-A-C. GRCh37 (hg19) VCF-style: chr7-87074287-A-C.
Other names: c.1010T>G, p.Phe337Cys (NM_018849.3, NM_018850.3); short protein forms F337C.
Identifiers: ClinVar variation 4999497 (VCV004999497.1).